The following is an entry in ClinVar:

ClinVar aggregate classification (germline): Benign. Review status: criteria provided, multiple submitters, no conflicts (2 of 4 stars). 6 submissions from 6 submitters: Benign (6). Last evaluated 2026-01-26.

Conditions:
Blepharophimosis, ptosis, and epicanthus inversus syndrome. Identifiers: Orphanet 126, MedGen C0220663, MONDO:0007201, OMIM 110100.

Allele frequency attached by ClinVar (database versions not stated): gnomAD exomes 0.04579; ExAC 0.07913; gnomAD 0.12148; 1000 Genomes Project 0.14716; 1000 Genomes Project 30x 0.15147.

Submissions (6):

Labcorp Genetics (formerly Invitae), Labcorp
Classification: Benign. Last evaluated: 2026-01-26. Review status: criteria provided, single submitter. Criteria: Invitae Variant Classification Sherloc (09022015). Collection method: clinical testing. Allele origin: germline.

Blueprint Genetics
Classification: Benign. Last evaluated: 2024-11-26. Review status: criteria provided, single submitter. Criteria: ACMG Guidelines, 2015. Collection method: clinical testing. Allele origin: germline.

Eurofins Ntd Llc (ga)
Classification: Benign. Last evaluated: 2017-03-14. Review status: criteria provided, single submitter. Criteria: EGL Classification Definitions 2015. Collection method: clinical testing. Allele origin: germline. Observed: 1 variant allele, 1 homozygote.

Genomic Diagnostic Laboratory, Division of Genomic Diagnostics, Children's Hospital of Philadelphia
Classification: Benign for Blepharophimosis, ptosis, and epicanthus inversus syndrome. Last evaluated: 2016-11-03. Review status: criteria provided, single submitter. Criteria: DGD Variant Analysis Guidelines. Collection method: clinical testing. Allele origin: germline. Affected: yes. Observed: 1 variant allele.
Comment: Clinical Testing

Breakthrough Genomics
Classification: Benign. Review status: criteria provided, single submitter. Criteria: ACMG Guidelines, 2015. Collection method: not provided. Allele origin: germline. Inheritance: Autosomal dominant inheritance. Affected: yes.

PreventionGenetics, part of Exact Sciences
Classification: Benign. Review status: criteria provided, single submitter. Criteria: ACMG Guidelines, 2015. Collection method: clinical testing. Allele origin: germline.

NM_023067.4(FOXL2):c.536C>G (p.Ala179Gly)

Gene: FOXL2 (forkhead box L2; minus strand). Cytogenetic location: 3q22.3.
Variant type: single nucleotide variant.
Coding change: c.536C>G on transcript NM_023067.4 (MANE Select); coding-DNA position 536, C replaced by G.
Protein change: p.Ala179Gly; replaces alanine 179 with glycine.
Molecular consequence: missense variant.
Genome position (GRCh38, 1-based): chr3:138,946,187, G>C on the plus strand (C>G on the coding strand, the complement: FOXL2 is on the minus strand). VCF-style: chr3-138946187-G-C. GRCh37 (hg19) VCF-style: chr3-138665029-G-C.
Other names: short protein forms A179G.
Identifiers: ClinVar variation 261662 (VCV000261662.14), dbSNP rs7432551, ClinGen allele CA2639754.